The following is an entry in ClinVar:

ClinVar aggregate classification (germline): Benign/Likely benign. Review status: criteria provided, multiple submitters, no conflicts (2 of 4 stars). 5 submissions from 5 submitters: Benign (1); Likely benign (2). 2 of the submissions do not count toward it. Last evaluated 2025-11-03.

Conditions:
Skeletal overgrowth-craniofacial dysmorphism-hyperelastic skin-white matter lesions syndrome. Also called: SKELETAL OVERGROWTH WITH FACIAL DYSMORPHISM, HYPERELASTIC SKIN, WHITE MATTER LESIONS, AND NEUROLOGIC DETERIORATION; Kosaki overgrowth syndrome. Identifiers: Orphanet 477831, MedGen C4225270, MONDO:0014704, OMIM 616592.
Acroosteolysis-keloid-like lesions-premature aging syndrome. Also called: Premature aging syndrome, Penttinen type; Prematurely aged appearance, delayed bone maturation, acro-osteolysis, and brachydactyly; Progeroid syndrome, Penttinen type. Identifiers: Orphanet 363665, MedGen C1866182, MONDO:0011150, OMIM 601812.
Infantile myofibromatosis (IMF). Also called: Congenital generalized fibromatosis. Identifiers: Orphanet 2591, MedGen C0432284, MONDO:0016824.
Basal ganglia calcification, idiopathic, 4 (PFBC4). Also called: PRIMARY FAMILIAL BRAIN CALCIFICATION 4, AUTOSOMAL DOMINANT; Familial Idiopathic Basal Ganglia Calcification 4. Identifiers: Orphanet 1980, MedGen C3554321, MONDO:0014004, OMIM 615007.

Allele frequency attached by ClinVar (database versions not stated): ExAC 0.00056; gnomAD exomes 0.00185 and 0.00064; 1000 Genomes Project 30x 0.00141; 1000 Genomes Project 0.00080; TOPMed 0.00096; gnomAD 0.00088 and 0.00087; ESP Exome Variant Server 0.00161.
gnomAD v4.1: 2,840 of 1,613,856 alleles (0.18%); highest among the groups gnomAD compares: Non-Finnish European, 0.23%; 7 homozygotes.

Submissions (5):

Labcorp Genetics (formerly Invitae), Labcorp
Classification: Benign for Basal ganglia calcification, idiopathic, 4; Skeletal overgrowth-craniofacial dysmorphism-hyperelastic skin-white matter lesions syndrome; Infantile myofibromatosis; Acroosteolysis-keloid-like lesions-premature aging syndrome. Last evaluated: 2025-11-03. Review status: criteria provided, single submitter. Criteria: Invitae Variant Classification Sherloc (09022015). Collection method: clinical testing. Allele origin: germline.

Blueprint Genetics
Classification: Likely benign. Last evaluated: 2024-11-07. Review status: criteria provided, single submitter. Criteria: ACMG Guidelines, 2015. Collection method: clinical testing. Allele origin: germline.

CeGaT Center for Human Genetics Tuebingen
Classification: Likely benign. Last evaluated: 2024-10-01. Review status: criteria provided, single submitter. Criteria: CeGaT Center For Human Genetics Tuebingen Variant Classification Criteria Version 2. Collection method: clinical testing. Allele origin: germline. Affected: yes. Observed: 3 variant alleles.
Comment: PDGFRB: BP4, BP7

Clinical Genetics DNA and cytogenetics Diagnostics Lab, Erasmus MC, Erasmus Medical Center
Classification: Likely benign. Review status: no assertion criteria provided. Collection method: clinical testing. Allele origin: germline. Affected: yes. Study: VKGL Data-share Consensus. Not counted in ClinVar's aggregate classification.

Laboratory of Diagnostic Genome Analysis, Leiden University Medical Center (LUMC)
Classification: Benign. Review status: no assertion criteria provided. Collection method: clinical testing. Allele origin: germline. Affected: yes. Study: VKGL Data-share Consensus. Not counted in ClinVar's aggregate classification.

NM_002609.4(PDGFRB):c.714C>T (p.Ile238=)

Gene: PDGFRB (platelet derived growth factor receptor beta; minus strand). Cytogenetic location: 5q32.
Variant type: single nucleotide variant.
Coding change: c.714C>T on transcript NM_002609.4 (MANE Select); coding-DNA position 714, C replaced by T.
Protein change: p.Ile238=; no amino-acid change (isoleucine 238 retained).
Molecular consequence: synonymous variant.
Genome position (GRCh38, 1-based): chr5:150,133,926, G>A on the plus strand (C>T on the coding strand, the complement: PDGFRB is on the minus strand). VCF-style: chr5-150133926-G-A. GRCh37 (hg19) VCF-style: chr5-149513489-G-A.
Other names: c.522C>T, p.Ile174= (NM_001355016.2); c.231C>T, p.Ile77= (NM_001355017.2).
Identifiers: ClinVar variation 770095 (VCV000770095.37), dbSNP rs41287114, ClinGen allele CA3508235.